The following is an entry in ClinVar:

NM_000170.3(GLDC):c.2818C>T (p.Pro940Ser)

Gene: GLDC (glycine decarboxylase; minus strand). Cytogenetic location: 9p24.1.
Variant type: single nucleotide variant.
Coding change: c.2818C>T on transcript NM_000170.3 (MANE Select); coding-DNA position 2818, C replaced by T.
Protein change: p.Pro940Ser; replaces proline 940 with serine.
Molecular consequence: missense variant.
Genome position (GRCh38, 1-based): chr9:6,536,084, G>A on the plus strand (C>T on the coding strand, the complement: GLDC is on the minus strand). VCF-style: chr9-6536084-G-A. GRCh37 (hg19) VCF-style: chr9-6536084-G-A.
Other names: short protein forms P940S.
Identifiers: ClinVar variation 664246 (VCV000664246.6), dbSNP rs559923220, ClinGen allele CA4980064.

ClinVar aggregate classification (germline): Uncertain significance. Review status: criteria provided, single submitter (1 of 4 stars). 2 submissions from 2 submitters: Uncertain significance (1). 1 of the submissions does not count toward it. Last evaluated 2021-08-31.

Conditions:
Glycine encephalopathy. Also called: Non-ketotic hyperglycinemia; Nonketotic hyperglycinemia. Identifiers: Orphanet 407, MedGen C0751748, MONDO:0011612, HP:0008288.

Allele frequency attached by ClinVar (database versions not stated): gnomAD exomes below 0.00001 and 0.00002; gnomAD 0.00001; ExAC 0.00002; 1000 Genomes Project 30x 0.00016; 1000 Genomes Project 0.00020.
gnomAD v4.1: 9 of 1,613,734 alleles (0.00056%); highest among the groups gnomAD compares: East Asian, 0.0067%; no homozygotes.

Submissions (2):

Labcorp Genetics (formerly Invitae), Labcorp
Classification: Uncertain significance for Glycine encephalopathy. Last evaluated: 2021-08-31. Review status: criteria provided, single submitter. Criteria: Invitae Variant Classification Sherloc (09022015). Collection method: clinical testing. Allele origin: germline.
Comment: This sequence change replaces proline with serine at codon 940 of the GLDC protein (p.Pro940Ser). The proline residue is weakly conserved and there is a moderate physicochemical difference between proline and serine. This variant is present in population databases (rs559923220, ExAC 0.01%). This variant has not been reported in the literature in individuals affected with GLDC-related conditions. Algorithms developed to predict the effect of missense changes on protein structure and function output the following: SIFT: "Tolerated"; PolyPhen-2: "Benign"; Align-GVGD: "Class C0". The serine amino acid residue is found in multiple mammalian species, which suggests that this missense change does not adversely affect protein function. In summary, the available evidence is currently insufficient to determine the role of this variant in disease. Therefore, it has been classified as a Variant of Uncertain Significance.

Natera, Inc.
Classification: Uncertain significance for Non-ketotic hyperglycinemia. Last evaluated: 2021-05-13. Review status: no assertion criteria provided. Collection method: clinical testing. Allele origin: germline. Not counted in ClinVar's aggregate classification.